The following is an entry in ClinVar:

NM_133433.4(NIPBL):c.1793A>C (p.Glu598Ala)

Gene: NIPBL (NIPBL cohesin loading factor; plus strand). Cytogenetic location: 5p13.2.
Variant type: single nucleotide variant.
Coding change: c.1793A>C on transcript NM_133433.4 (MANE Select); coding-DNA position 1793, A replaced by C.
Protein change: p.Glu598Ala; replaces glutamic acid 598 with alanine.
Molecular consequence: missense variant.
Genome position (GRCh38, 1-based): chr5:36,984,973, A>C. VCF-style: chr5-36984973-A-C. GRCh37 (hg19) VCF-style: chr5-36985075-A-C.
Other names: c.1793A>C, p.Glu598Ala (NM_015384.5); short protein forms E598A.
Identifiers: ClinVar variation 3200169 (VCV003200169.2), dbSNP rs1744576660, ClinGen allele CA359494773.

ClinVar aggregate classification (germline): Uncertain significance. Review status: criteria provided, multiple submitters, no conflicts (2 of 4 stars). 2 submissions from 2 submitters: Uncertain significance (2). Last evaluated 2026-09-01.

Conditions:
Inborn genetic diseases. Identifiers: MedGen C0950123, MeSH D030342.

Allele frequency attached by ClinVar (database versions not stated): gnomAD exomes below 0.00001; gnomAD 0.00001; TOPMed 0.00001.
gnomAD v4.1: 3 of 1,613,780 alleles (0.00019%); highest among the groups gnomAD compares: Non-Finnish European, 0.00025%; no homozygotes.

Submissions (2):

CeGaT Center for Human Genetics Tuebingen
Classification: Uncertain significance. Last evaluated: 2026-09-01. Review status: criteria provided, single submitter. Criteria: CeGaT Center For Human Genetics Tuebingen Variant Classification Criteria Version 2. Collection method: clinical testing. Allele origin: germline. Affected: yes. Observed: 1 variant allele.
Comment: NIPBL: PM2

Ambry Genetics
Classification: Uncertain significance for Inborn genetic diseases. Last evaluated: 2024-01-04. Review status: criteria provided, single submitter. Criteria: Ambry Variant Classification Scheme 2023. Collection method: clinical testing. Allele origin: germline.